The following is an entry in ClinVar:

ClinVar aggregate classification (germline): Pathogenic/Likely pathogenic. Review status: criteria provided, multiple submitters, no conflicts (2 of 4 stars). 2 submissions from 2 submitters: Pathogenic (1); Likely pathogenic (1). Last evaluated 2025-03-28.

Conditions:
Autosomal recessive nonsyndromic hearing loss 4 (DFNB4). Also called: Deafness, autosomal recessive 4, with enlarged vestibular aqueduct; NEUROSENSORY NONSYNDROMIC RECESSIVE DEAFNESS 4; FOXI1-Related Pendred Syndrome; KCNJ10-Related Pendred Syndrome; DEAFNESS, AUTOSOMAL RECESSIVE 4, WITH ENLARGED VESTIBULAR AQUEDUCT, DIGENIC; Enlarged vestibular aqueduct, digenic. Identifiers: Orphanet 90636, MedGen C3538946, MONDO:0010933, OMIM 600791.
Pendred syndrome (PDS). Also called: Pendred Syndrome (PDS); HYPOTHYROIDISM, CONGENITAL, DUE TO DYSHORMONOGENESIS, 2B; THYROID DYSHORMONOGENESIS 2B; THYROID HORMONOGENESIS, GENETIC DEFECT IN, 2B; DEAFNESS WITH GOITER; GOITER-DEAFNESS SYNDROME. Identifiers: Orphanet 705, MedGen C0271829, MONDO:0010134, OMIM 274600.

Submissions (2):

Myriad Genetics, Inc.
Classification: Pathogenic for Pendred syndrome. Last evaluated: 2025-03-28. Review status: criteria provided, single submitter. Criteria: Myriad Autosomal Dominant, Autosomal Recessive and X-Linked Classification Criteria (2023). Collection method: clinical testing. Allele origin: unknown.
Comment: NM_000441.1(SLC26A4):c.338delT(V113Afs*13) is expected to be pathogenic in the context of Pendred syndrome. This variant is predicted to lead to an abnormal or absent protein product due to the creation of a premature termination codon in SLC26A4, a gene where loss-of-function variants are known to be pathogenic. Please note: this variant was assessed in the context of healthy population screening.

Baylor Genetics
Classification: Likely pathogenic for Autosomal recessive nonsyndromic hearing loss 4. Last evaluated: 2023-04-25. Review status: criteria provided, single submitter. Criteria: ACMG Guidelines, 2015. Collection method: clinical testing. Allele origin: unknown.

NM_000441.2(SLC26A4):c.338del (p.Val113fs)

Gene: SLC26A4 (solute carrier family 26 member 4; plus strand). Cytogenetic location: 7q22.3.
Variant type: Deletion.
Coding change: c.338del on transcript NM_000441.2 (MANE Select); coding-DNA position 338, one base deleted (T; older notation c.338delT).
Protein change: p.Val113fs; shifts the reading frame from valine 113.
Molecular consequence: frameshift variant.
Genome position (GRCh38, 1-based): chr7:107,672,171, T deleted. VCF-style (leftmost placement, unchanged base first): chr7-107672170-GT-G. GRCh37 (hg19) VCF-style: chr7-107312615-GT-G.
Other names: short protein forms V113fs.
Identifiers: ClinVar variation 2678920 (VCV002678920.2), dbSNP rs2535293656, ClinGen allele CA2695199611.
Genomic context (GRCh38, chr7:107,672,170, plus strand): 5'-AATGTAATCACTTTGCATGTGCTTTCAGGGATGGCATATGCCCTACTAGCTGCAGTTCCT[GT>G]CGGATATGGTCTCTACTCTGCTTTTTTCCCTATCCTGACATACTTTATCTTTGGAACATC-3'